The following is an entry in ClinVar:

ClinVar aggregate classification (germline): Uncertain significance (1 of 4 stars; one submission).

Allele frequency attached by ClinVar (database versions not stated): gnomAD 0.00001; TOPMed 0.00001; ExAC 0.00002; gnomAD exomes 0.00005.

Submission:

Labcorp Genetics (formerly Invitae), Labcorp
Classification: Uncertain significance. Last evaluated: 2024-07-21. Review status: criteria provided, single submitter. Criteria: Invitae Variant Classification Sherloc (09022015). Collection method: clinical testing. Allele origin: germline.
Comment: This sequence change replaces glycine, which is neutral and non-polar, with arginine, which is basic and polar, at codon 164 of the GPR45 protein (p.Gly164Arg). This variant is present in population databases (rs766423256, gnomAD 0.003%). This variant has not been reported in the literature in individuals affected with GPR45-related conditions. ClinVar contains an entry for this variant (Variation ID: 1917136). An algorithm developed to predict the effect of missense changes on protein structure and function (PolyPhen-2) suggests that this variant is likely to be tolerated. In summary, the available evidence is currently insufficient to determine the role of this variant in disease. Therefore, it has been classified as a Variant of Uncertain Significance.

NM_007227.3(GPR45):c.490G>C (p.Gly164Arg)

Gene: GPR45 (G protein-coupled receptor 45; plus strand). Cytogenetic location: 2q12.1.
Variant type: single nucleotide variant.
Coding change: c.490G>C on transcript NM_007227.3 (MANE Select); coding-DNA position 490, G replaced by C.
Protein change: p.Gly164Arg; replaces glycine 164 with arginine.
Molecular consequence: missense variant.
Genome position (GRCh38, 1-based): chr2:105,242,348, G>C. VCF-style: chr2-105242348-G-C. GRCh37 (hg19) VCF-style: chr2-105858805-G-C.
Other names: short protein forms G164R.
Identifiers: ClinVar variation 1917136 (VCV001917136.5), dbSNP rs766423256, ClinGen allele CA1813594.